The following is an entry in ClinVar:

NM_001851.6(COL9A1):c.876+13C>T

Gene: COL9A1 (collagen type IX alpha 1 chain; minus strand). Cytogenetic location: 6q13.
Variant type: single nucleotide variant.
Coding change: c.876+13C>T on transcript NM_001851.6 (MANE Select); 13 bases into the intron after coding-DNA position 876, C replaced by T.
Molecular consequence: intron variant.
Genome position (GRCh38, 1-based): chr6:70,281,377, G>A on the plus strand (C>T on the coding strand, the complement: COL9A1 is on the minus strand). VCF-style: chr6-70281377-G-A. GRCh37 (hg19) VCF-style: chr6-70991080-G-A.
Other names: c.147+13C>T (NM_001377290.1, NM_078485.4, NM_001377289.1); c.876+13C>T (NM_001377291.1).
Identifiers: ClinVar variation 258361 (VCV000258361.15), dbSNP rs117215769, ClinGen allele CA3882629.

ClinVar aggregate classification (germline): Benign. Review status: criteria provided, multiple submitters, no conflicts (2 of 4 stars). 7 submissions from 7 submitters: Benign (5). 2 of the submissions do not count toward it. Last evaluated 2026-05-09.

Allele frequency attached by ClinVar (database versions not stated): 1000 Genomes Project 30x 0.02342; 1000 Genomes Project 0.02376; TOPMed 0.03908; gnomAD 0.04407 and 0.04499; gnomAD exomes 0.04560 and 0.05927; ExAC 0.04669; ESP Exome Variant Server 0.04675.
gnomAD v4.1: 92,573 of 1,610,872 alleles (5.7%); highest among the groups gnomAD compares: Non-Finnish European, 6.7%; 3,111 homozygotes.

Submissions (7):

Women's Health and Genetics/Laboratory Corporation of America, LabCorp
Classification: Benign. Last evaluated: 2026-05-09. Review status: criteria provided, single submitter. Criteria: LabCorp Variant Classification Summary - May 2015. Collection method: clinical testing. Allele origin: germline.

Labcorp Genetics (formerly Invitae), Labcorp
Classification: Benign. Last evaluated: 2026-02-04. Review status: criteria provided, single submitter. Criteria: Invitae Variant Classification Sherloc (09022015). Collection method: clinical testing. Allele origin: germline.

Blueprint Genetics
Classification: Benign. Last evaluated: 2024-11-26. Review status: criteria provided, single submitter. Criteria: ACMG Guidelines, 2015. Collection method: clinical testing. Allele origin: germline.

GeneDx
Classification: Benign. Last evaluated: 2016-10-05. Review status: criteria provided, single submitter. Criteria: GeneDx Variant Classification (06012015). Collection method: clinical testing. Allele origin: germline. Affected: yes.
Comment: This variant is considered likely benign or benign based on one or more of the following criteria: it is a conservative change, it occurs at a poorly conserved position in the protein, it is predicted to be benign by multiple in silico algorithms, and/or has population frequency not consistent with disease.

PreventionGenetics, part of Exact Sciences
Classification: Benign. Review status: criteria provided, single submitter. Criteria: ACMG Guidelines, 2015. Collection method: clinical testing. Allele origin: germline.

Genome Diagnostics Laboratory, Amsterdam University Medical Center
Classification: Benign. Review status: no assertion criteria provided. Collection method: clinical testing. Allele origin: germline. Affected: yes. Study: VKGL Data-share Consensus. Not counted in ClinVar's aggregate classification.

Joint Genome Diagnostic Labs from Nijmegen and Maastricht, Radboudumc and MUMC+
Classification: Benign. Review status: no assertion criteria provided. Collection method: clinical testing. Allele origin: germline. Affected: yes. Study: VKGL Data-share Consensus. Not counted in ClinVar's aggregate classification.